The following is an entry in ClinVar:

NM_201596.3(CACNB2):c.1851_1859dup (p.Asp617_Asn619dup)

Gene: CACNB2 (calcium voltage-gated channel auxiliary subunit beta 2; plus strand). Cytogenetic location: 10p12.31.
Variant type: Duplication.
Coding change: c.1851_1859dup on transcript NM_201596.3 (MANE Select); coding-DNA positions 1851 to 1859, 9 bases duplicated (CCACAACGA; older notation c.1851_1859dupCCACAACGA).
Protein change: p.Asp617_Asn619dup.
Molecular consequence: inframe insertion.
Genome position (GRCh38, 1-based): chr10:18,539,592-18,539,600, CCACAACGA duplicated; duplicating any 9 consecutive bases within chr10:18,539,590-18,539,600 gives the same sequence; the c. name uses the placement nearest the transcript's 3' end. VCF-style (leftmost placement, unchanged base first): chr10-18539589-G-GGACCACAAC. GRCh37 (hg19) VCF-style: chr10-18828518-G-GGACCACAAC.
Other names: c.1686_1694dup, p.Asp562_Asn564dup (NM_000724.4); c.1653_1661dup, p.Asp551_Asn553dup (NM_001167945.2); c.1572_1580dup, p.Asp524_Asn526dup (NM_001330060.2); c.1707_1715dup, p.Asp569_Asn571dup (NM_201570.3); c.1767_1775dup, p.Asp589_Asn591dup (NM_201571.4); c.1695_1703dup, p.Asp565_Asn567dup (NM_201572.4); c.1689_1697dup, p.Asp563_Asn565dup (NM_201590.3); c.1737_1745dup, p.Asp579_Asn581dup (NM_201593.3); and 1 more.
Identifiers: ClinVar variation 411705 (VCV000411705.7), dbSNP rs1554843116, ClinGen allele CA16613037.

ClinVar aggregate classification (germline): Uncertain significance (1 of 4 stars; one submission).

Conditions:
Brugada syndrome 4 (BRGDA4). Identifiers: Orphanet 130, MedGen C2678477, MONDO:0012743, OMIM 611876.

Submission:

Labcorp Genetics (formerly Invitae), Labcorp
Classification: Uncertain significance for Brugada syndrome 4. Last evaluated: 2016-07-31. Review status: criteria provided, single submitter. Criteria: Invitae Variant Classification Sherloc (09022015). Collection method: clinical testing. Allele origin: germline.
Comment: In summary, this is a novel sequence change with uncertain impact on protein function. It has been classified as a Variant of Uncertain Significance. Experimental studies investigating the functional effect of this duplication have not been published in the literature. This variant is not present in population databases (ExAC no frequency) and has not been reported in the literature in individuals with a CACNB2-related disease. This sequence change inserts 9 nucleotides in exon 13 of the CACNB2 mRNA (c.1689_1697dupCCACAACGA). This leads to the insertion of 3 amino acid residue(s) in the CACNB2 protein (p.Asp563_Asn565dup) but otherwise preserves the integrity of the reading frame.